The following is an entry in ClinVar:

NM_001365999.1(SZT2):c.8285del (p.Phe2762fs)

Gene: SZT2 (SZT2 subunit of KICSTOR complex; plus strand). Cytogenetic location: 1p34.2.
Variant type: Deletion.
Coding change: c.8285del on transcript NM_001365999.1 (MANE Select); coding-DNA position 8285, one base deleted (T; older notation c.8285delT).
Protein change: p.Phe2762fs; shifts the reading frame from phenylalanine 2762.
Molecular consequence: frameshift variant.
Genome position (GRCh38, 1-based): chr1:43,442,952, T deleted; the last of 2 consecutive T bases (chr1:43,442,951-43,442,952); deleting either gives the same sequence. VCF-style (leftmost placement, unchanged base first): chr1-43442950-AT-A. GRCh37 (hg19) VCF-style: chr1-43908621-AT-A.
Other names: c.8114del, p.Phe2705fs (NM_015284.4); short protein forms F2762fs, F2705fs.
Identifiers: ClinVar variation 1388368 (VCV001388368.6), dbSNP rs2153936018, ClinGen allele CA2573132394.

ClinVar aggregate classification (germline): Pathogenic (1 of 4 stars; one submission).

Submission:

Labcorp Genetics (formerly Invitae), Labcorp
Classification: Pathogenic. Last evaluated: 2022-06-20. Review status: criteria provided, single submitter. Criteria: Invitae Variant Classification Sherloc (09022015). Collection method: clinical testing. Allele origin: germline.
Comment: For these reasons, this variant has been classified as Pathogenic. This variant has not been reported in the literature in individuals affected with SZT2-related conditions. This variant is not present in population databases (gnomAD no frequency). This sequence change creates a premature translational stop signal (p.Phe2705Serfs*7) in the SZT2 gene. It is expected to result in an absent or disrupted protein product. Loss-of-function variants in SZT2 are known to be pathogenic (PMID: 23932106, 27248490, 28556953).

Literature cited by the submitters: PubMed 23932106; PubMed 27248490; PubMed 28556953.